The following is an entry in ClinVar:

ClinVar aggregate classification (germline): Uncertain significance (1 of 4 stars; one submission).

Conditions:
Ataxia-telangiectasia syndrome (AT). Also called: Cerebello-oculocutaneous telangiectasia; Immunodeficiency with ataxia telangiectasia; Ataxia-telangiectasia, complementation group D; AT, COMPLEMENTATION GROUP C; Ataxia-telangiectasia, complementation group E; LOUIS-BAR SYNDROME. Identifiers: Orphanet 100, MedGen C0004135, MONDO:0008840, OMIM 208900.

Submission:

Labcorp Genetics (formerly Invitae), Labcorp
Classification: Uncertain significance for Ataxia-telangiectasia syndrome. Last evaluated: 2022-12-02. Review status: criteria provided, single submitter. Criteria: Invitae Variant Classification Sherloc (09022015). Collection method: clinical testing. Allele origin: germline.
Comment: ClinVar contains an entry for this variant (Variation ID: 453634). This variant has not been reported in the literature in individuals affected with ATM-related conditions. This variant is not present in population databases (gnomAD no frequency). This sequence change replaces glutamine, which is neutral and polar, with proline, which is neutral and non-polar, at codon 218 of the ATM protein (p.Gln218Pro). In summary, the available evidence is currently insufficient to determine the role of this variant in disease. Therefore, it has been classified as a Variant of Uncertain Significance. Algorithms developed to predict the effect of missense changes on protein structure and function (SIFT, PolyPhen-2, Align-GVGD) all suggest that this variant is likely to be tolerated.

NM_000051.4(ATM):c.653A>C (p.Gln218Pro)

Gene: ATM (ATM serine/threonine kinase; plus strand). Cytogenetic location: 11q22.3.
Variant type: single nucleotide variant.
Coding change: c.653A>C on transcript NM_000051.4 (MANE Select); coding-DNA position 653, A replaced by C.
Protein change: p.Gln218Pro; replaces glutamine 218 with proline.
Molecular consequence: missense variant.
Genome position (GRCh38, 1-based): chr11:108,244,109, A>C. VCF-style: chr11-108244109-A-C. GRCh37 (hg19) VCF-style: chr11-108114836-A-C.
Other names: c.653A>C, p.Gln218Pro (NM_001351834.2); short protein forms Q218P.
Identifiers: ClinVar variation 453634 (VCV000453634.8), dbSNP rs1198686265, ClinGen allele CA382528566.